The following is an entry in ClinVar:

ClinVar aggregate classification (germline): Uncertain significance (1 of 4 stars; one submission).

Conditions:
Sialuria. Also called: SIALURIA, FRENCH TYPE; Sialic Acid Storage Disease. Identifiers: Orphanet 3166, MedGen C0342853, MONDO:0010028, OMIM 269921.
GNE myopathy (NM). Also called: MYOPATHY, DISTAL, WITH OR WITHOUT RIMMED VACUOLES; NONAKA DISTAL MYOPATHY; INCLUSION BODY MYOPATHY, HEREDITARY, AUTOSOMAL RECESSIVE; INCLUSION BODY MYOPATHY 2, AUTOSOMAL RECESSIVE; IBM 2; Inclusion body myopathy autosomal recessive. Identifiers: Orphanet 602, MedGen C1853926, MONDO:0011603, OMIM 605820.

Submission:

Labcorp Genetics (formerly Invitae), Labcorp
Classification: Uncertain significance for Sialuria; GNE myopathy. Last evaluated: 2022-07-03. Review status: criteria provided, single submitter. Criteria: Invitae Variant Classification Sherloc (09022015). Collection method: clinical testing. Allele origin: germline.
Comment: Algorithms developed to predict the effect of missense changes on protein structure and function (SIFT, PolyPhen-2, Align-GVGD) all suggest that this variant is likely to be tolerated. In summary, the available evidence is currently insufficient to determine the role of this variant in disease. Therefore, it has been classified as a Variant of Uncertain Significance. This variant has not been reported in the literature in individuals affected with GNE-related conditions. This variant is not present in population databases (gnomAD no frequency). This sequence change replaces valine, which is neutral and non-polar, with aspartic acid, which is acidic and polar, at codon 733 of the GNE protein (p.Val733Asp).

NM_005476.7(GNE):c.2105T>A (p.Val702Asp)

Gene: GNE (glucosamine (UDP-N-acetyl)-2-epimerase/N-acetylmannosamine kinase; minus strand). Cytogenetic location: 9p13.3.
Variant type: single nucleotide variant.
Coding change: c.2105T>A on transcript NM_005476.7 (MANE Select); coding-DNA position 2105, T replaced by A.
Protein change: p.Val702Asp; replaces valine 702 with aspartic acid.
Molecular consequence: missense variant.
Genome position (GRCh38, 1-based): chr9:36,217,429, A>T on the plus strand (T>A on the coding strand, the complement: GNE is on the minus strand). VCF-style: chr9-36217429-A-T. GRCh37 (hg19) VCF-style: chr9-36217426-A-T.
Other names: c.2198T>A, p.Val733Asp (NM_001128227.3); c.1883T>A, p.Val628Asp (NM_001190383.3); c.1775T>A, p.Val592Asp (NM_001190384.3); c.1928T>A, p.Val643Asp (NM_001190388.2, NM_001374798.1); c.1952T>A, p.Val651Asp (NM_001374797.1); short protein forms V628D, V592D, V651D, V643D, V702D, V733D.
Identifiers: ClinVar variation 2009787 (VCV002009787.4), dbSNP rs370918582, ClinGen allele CA373424311.